The following is an entry in ClinVar:

ClinVar aggregate classification (germline): Likely pathogenic (1 of 4 stars; one submission).

Conditions:
Charcot-Marie-Tooth disease type 4C (CMT4C). Also called: CHARCOT-MARIE-TOOTH DISEASE, DEMYELINATING, TYPE 4C; Charcot-Marie-Tooth Neuropathy Type 4C (CMT4C); CMT 4C; SH3TC2-Related Hereditary Motor and Sensory Neuropathy; CHARCOT-MARIE-TOOTH DISEASE, DEMYELINATING, AUTOSOMAL RECESSIVE, TYPE 4C. Identifiers: Orphanet 99949, MedGen C1866636, MONDO:0011113, OMIM 601596.

Submission:

Juno Genomics, Hangzhou Juno Genomics, Inc
Classification: Likely pathogenic for Charcot-Marie-Tooth disease type 4C. Review status: criteria provided, single submitter. Criteria: ACMG Guidelines, 2015. Collection method: clinical testing. Allele origin: germline.
Comment: Absent from controls (or at extremely low frequency if recessive) in Genome Aggregation Database.;Null variant in a gene where loss of function (LOF) is a known mechanism of disease.

NM_024577.4(SH3TC2):c.452dup (p.Glu152fs)

Gene: SH3TC2 (SH3 domain and tetratricopeptide repeats 2; minus strand). Cytogenetic location: 5q32.
Variant type: Duplication.
Coding change: c.452dup on transcript NM_024577.4 (MANE Select); coding-DNA position 452, one base duplicated (T; older notation c.452dupT).
Protein change: p.Glu152fs; shifts the reading frame from glutamic acid 152.
Molecular consequence: frameshift variant.
Genome position (GRCh38, 1-based): chr5:149,042,771, A duplicated on the plus strand (T on the coding strand, the reverse complement: SH3TC2 is on the minus strand). VCF-style (leftmost placement, unchanged base first): chr5-149042770-C-CA. GRCh37 (hg19) VCF-style: chr5-148422333-C-CA.
Other names: short protein forms E152fs.
Identifiers: ClinVar variation 5019348 (VCV005019348.2).